The following is an entry in ClinVar:

ClinVar aggregate classification (germline): Uncertain significance. Review status: criteria provided, multiple submitters, no conflicts (2 of 4 stars). 2 submissions from 2 submitters: Uncertain significance (2). Last evaluated 2025-08-29.

Allele frequency attached by ClinVar (database versions not stated): gnomAD 0.00001; TOPMed 0.00002.
gnomAD v4.1: 85 of 1,579,408 alleles (0.0054%); highest among the groups gnomAD compares: Middle Eastern, 0.017%; no homozygotes.

Submissions (2):

Ambry Genetics
Classification: Uncertain significance. Last evaluated: 2025-08-29. Review status: criteria provided, single submitter. Criteria: Ambry Variant Classification Scheme 2023. Collection method: clinical testing. Allele origin: germline.

Labcorp Genetics (formerly Invitae), Labcorp
Classification: Uncertain significance. Last evaluated: 2025-07-21. Review status: criteria provided, single submitter. Criteria: Invitae Variant Classification Sherloc (09022015). Collection method: clinical testing. Allele origin: germline.
Comment: This sequence change replaces asparagine, which is neutral and polar, with serine, which is neutral and polar, at codon 64 of the NPAT protein (p.Asn64Ser). This variant is not present in population databases (gnomAD no frequency). This variant has not been reported in the literature in individuals affected with NPAT-related conditions. ClinVar contains an entry for this variant (Variation ID: 2496701). An algorithm developed to predict the effect of missense changes on protein structure and function (PolyPhen-2) suggests that this variant is likely to be disruptive. Algorithms developed to predict the effect of sequence changes on RNA splicing suggest that this variant may create or strengthen a splice site. In summary, the available evidence is currently insufficient to determine the role of this variant in disease. Therefore, it has been classified as a Variant of Uncertain Significance.

NM_002519.3(NPAT):c.191A>G (p.Asn64Ser)

Gene: NPAT (nuclear protein, coactivator of histone transcription; minus strand). Cytogenetic location: 11q22.3.
Variant type: single nucleotide variant.
Coding change: c.191A>G on transcript NM_002519.3 (MANE Select); coding-DNA position 191, A replaced by G.
Protein change: p.Asn64Ser; replaces asparagine 64 with serine.
Molecular consequence: missense variant.
Genome position (GRCh38, 1-based): chr11:108,193,983, T>C on the plus strand (A>G on the coding strand, the complement: NPAT is on the minus strand). VCF-style: chr11-108193983-T-C. GRCh37 (hg19) VCF-style: chr11-108064710-T-C.
Other names: c.191A>G, p.Asn64Ser (NM_001321307.1); short protein forms N64S.
Identifiers: ClinVar variation 2496701 (VCV002496701.4), dbSNP rs1158201608, ClinGen allele CA382526823.